The following is an entry in ClinVar:

ClinVar aggregate classification (germline): Uncertain significance. Review status: criteria provided, multiple submitters, no conflicts (2 of 4 stars). 2 submissions from 2 submitters: Uncertain significance (2). Last evaluated 2023-12-21.

Conditions:
Gorlin syndrome. Also called: Nevoid Basal Cell Carcinoma Syndrome; Basal cell nevus syndrome. Identifiers: Orphanet 377, MedGen C0004779, MONDO:0007187.
Hereditary cancer-predisposing syndrome. Also called: Neoplastic Syndromes, Hereditary; Hereditary neoplastic syndrome; Hereditary Cancer Syndrome; Tumor predisposition. Identifiers: Orphanet 140162, MedGen C0027672, MeSH D009386, MONDO:0015356.

gnomAD v4.1: 2 of 1,611,574 alleles (0.00012%); highest among the groups gnomAD compares: African/African-American, 0.0013%; no homozygotes.

Submissions (2):

Ambry Genetics
Classification: Uncertain significance for Hereditary cancer-predisposing syndrome. Last evaluated: 2023-12-21. Review status: criteria provided, single submitter. Criteria: Ambry Variant Classification Scheme 2023. Collection method: clinical testing. Allele origin: germline.
Comment: The p.D48N variant (also known as c.142G>A), located in coding exon 1 of the PTCH1 gene, results from a G to A substitution at nucleotide position 142. The aspartic acid at codon 48 is replaced by asparagine, an amino acid with highly similar properties. This amino acid position is not well conserved in available vertebrate species. In addition, this alteration is predicted to be tolerated by in silico analysis. Since supporting evidence is limited at this time, the clinical significance of this alteration remains unclear.

Labcorp Genetics (formerly Invitae), Labcorp
Classification: Uncertain significance for Gorlin syndrome. Last evaluated: 2022-08-09. Review status: criteria provided, single submitter. Criteria: Invitae Variant Classification Sherloc (09022015). Collection method: clinical testing. Allele origin: germline.
Comment: This sequence change replaces aspartic acid, which is acidic and polar, with asparagine, which is neutral and polar, at codon 48 of the PTCH1 protein (p.Asp48Asn). This variant is not present in population databases (gnomAD no frequency). This variant has not been reported in the literature in individuals affected with PTCH1-related conditions. ClinVar contains an entry for this variant (Variation ID: 657254). In summary, the available evidence is currently insufficient to determine the role of this variant in disease. Therefore, it has been classified as a Variant of Uncertain Significance. Advanced modeling of protein sequence and biophysical properties (such as structural, functional, and spatial information, amino acid conservation, physicochemical variation, residue mobility, and thermodynamic stability) performed at Invitae indicates that this missense variant is not expected to disrupt PTCH1 protein function.

NM_000264.5(PTCH1):c.142G>A (p.Asp48Asn)

Genes: PTCH1 (patched 1; minus strand), LOC130002133 (ATAC-STARR-seq lymphoblastoid silent region 20071; plus strand). Cytogenetic location: 9q22.32.
Variant type: single nucleotide variant.
Coding change: c.142G>A on transcript NM_000264.5 (MANE Select); coding-DNA position 142, G replaced by A.
Protein change: p.Asp48Asn; replaces aspartic acid 48 with asparagine.
Molecular consequence: missense variant. On other transcripts: non-coding transcript variant (1), intron variant (3).
Genome position (GRCh38, 1-based): chr9:95,508,220, C>T on the plus strand (G>A on the coding strand, the complement: PTCH1 is on the minus strand). VCF-style: chr9-95508220-C-T. GRCh37 (hg19) VCF-style: chr9-98270502-C-T.
Other names: c.142G>A, p.Asp48Asn (NM_001354918.2); c.199-1621G>A (NM_001083603.3); c.4-1621G>A (NM_001083602.3, NM_001354919.2); c.142G>A (NM_000264.3); short protein forms D48N.
Identifiers: ClinVar variation 657254 (VCV000657254.9), dbSNP rs745685305, ClinGen allele CA374121364.